The following is an entry in ClinVar:

ClinVar aggregate classification (germline): Conflicting classifications of pathogenicity. Review status: criteria provided, conflicting classifications (1 of 4 stars). 4 submissions from 4 submitters: Uncertain significance (1); Likely benign (3). Last evaluated 2025-12-19.

Conditions:
Primary ciliary dyskinesia. Also called: Ciliary dyskinesia. Identifiers: Orphanet 244, MedGen C0008780, MONDO:0016575, HP:0012265.

Allele frequency attached by ClinVar (database versions not stated): gnomAD exomes 0.00002 and 0.00003; TOPMed 0.00002; ExAC 0.00004; gnomAD 0.00004 and 0.00005.
gnomAD v4.1: 45 of 1,614,052 alleles (0.0028%); highest among the groups gnomAD compares: Middle Eastern, 0.2%; no homozygotes.

Submissions (4):

Labcorp Genetics (formerly Invitae), Labcorp
Classification: Uncertain significance for Primary ciliary dyskinesia. Last evaluated: 2025-12-19. Review status: criteria provided, single submitter. Criteria: Invitae Variant Classification Sherloc (09022015). Collection method: clinical testing. Allele origin: germline.
Comment: This sequence change replaces methionine, which is neutral and non-polar, with isoleucine, which is neutral and non-polar, at codon 297 of the DNAI2 protein (p.Met297Ile). This variant is present in population databases (rs750750518, gnomAD 0.02%). This variant has not been reported in the literature in individuals affected with DNAI2-related conditions. ClinVar contains an entry for this variant (Variation ID: 667108). Invitae Evidence Modeling of protein sequence and biophysical properties (such as structural, functional, and spatial information, amino acid conservation, physicochemical variation, residue mobility, and thermodynamic stability) indicates that this missense variant is not expected to disrupt DNAI2 protein function with a negative predictive value of 95%. In summary, the available evidence is currently insufficient to determine the role of this variant in disease. Therefore, it has been classified as a Variant of Uncertain Significance.

Blueprint Genetics
Classification: Likely benign. Last evaluated: 2024-06-27. Review status: criteria provided, single submitter. Criteria: ACMG Guidelines, 2015. Collection method: clinical testing. Allele origin: germline.

Ambry Genetics
Classification: Likely benign for Primary ciliary dyskinesia. Last evaluated: 2022-11-18. Review status: criteria provided, single submitter. Criteria: Ambry Variant Classification Scheme 2023. Collection method: clinical testing. Allele origin: germline.

Laboratory for Molecular Medicine, Mass General Brigham Personalized Medicine
Classification: Likely benign. Last evaluated: 2018-07-03. Review status: criteria provided, single submitter. Criteria: LMM Criteria. Collection method: clinical testing. Allele origin: germline. Observed: 1 variant allele.
Comment: p.Met297Ile in exon 8 of DNAI2: This variant is classified as likely benign due to a lack of conservation across species, including mammals. Of note, more than 10 mammals have Isoleucine at this position despite high nearby amino acid conse rvation. In addition, computational prediction tools do not suggest a high likel ihood of impact to the protein. ACMG/AMP Criteria applied: BP4_Strong.

NM_023036.6(DNAI2):c.891G>A (p.Met297Ile)

Gene: DNAI2 (dynein axonemal intermediate chain 2; plus strand). Cytogenetic location: 17q25.1.
Variant type: single nucleotide variant.
Coding change: c.891G>A on transcript NM_023036.6 (MANE Select); coding-DNA position 891, G replaced by A.
Protein change: p.Met297Ile; replaces methionine 297 with isoleucine.
Molecular consequence: missense variant. On other transcripts: non-coding transcript variant (1).
Genome position (GRCh38, 1-based): chr17:74,301,072, G>A. VCF-style: chr17-74301072-G-A. GRCh37 (hg19) VCF-style: chr17-72297211-G-A.
Other names: c.891G>A, p.Met297Ile (NM_001172810.3, NM_001353167.2); short protein forms M297I.
Identifiers: ClinVar variation 667108 (VCV000667108.10), dbSNP rs750750518, ClinGen allele CA8745539.